The following is an entry in ClinVar:

NM_032119.4(ADGRV1):c.13721A>G (p.Asp4574Gly)

Gene: ADGRV1 (adhesion G protein-coupled receptor V1; plus strand). Cytogenetic location: 5q14.3.
Variant type: single nucleotide variant.
Coding change: c.13721A>G on transcript NM_032119.4 (MANE Select); coding-DNA position 13721, A replaced by G.
Protein change: p.Asp4574Gly; replaces aspartic acid 4574 with glycine.
Molecular consequence: missense variant. On other transcripts: non-coding transcript variant (1).
Genome position (GRCh38, 1-based): chr5:90,788,138, A>G. VCF-style: chr5-90788138-A-G. GRCh37 (hg19) VCF-style: chr5-90083955-A-G.
Other names: c.13721A>G (NM_032119.3); short protein forms D4574G.
Identifiers: ClinVar variation 2972847 (VCV002972847.5), dbSNP rs768132675, ClinGen allele CA3341594.

ClinVar aggregate classification (germline): Conflicting classifications of pathogenicity. Review status: criteria provided, conflicting classifications (1 of 4 stars). 3 submissions from 3 submitters: Uncertain significance (2); Benign (1). Last evaluated 2026-01-06.

Conditions:
ADGRV1-related disorder. Also called: ADGRV1-related condition; ADGRV1-related disorders.

Allele frequency attached by ClinVar (database versions not stated): gnomAD 0.00001; ExAC 0.00003; gnomAD exomes 0.00004.
gnomAD v4.1: 58 of 1,613,598 alleles (0.0036%); highest among the groups gnomAD compares: South Asian, 0.056%; no homozygotes.

Submissions (3):

Labcorp Genetics (formerly Invitae), Labcorp
Classification: Benign. Last evaluated: 2026-01-06. Review status: criteria provided, single submitter. Criteria: Invitae Variant Classification Sherloc (09022015). Collection method: clinical testing. Allele origin: germline.

PreventionGenetics, part of Exact Sciences
Classification: Uncertain significance for ADGRV1-related condition. Last evaluated: 2025-12-22. Review status: criteria provided, single submitter. Criteria: ACMG Guidelines, 2015. Collection method: clinical testing. Allele origin: germline.
Comment: The ADGRV1 c.13721A>G variant is predicted to result in the amino acid substitution p.Asp4574Gly. To our knowledge, this variant has not been reported in the literature. This variant is reported in 0.029% of alleles in individuals of South Asian descent in gnomAD. At this time, the clinical significance of this variant is uncertain due to the absence of conclusive functional and genetic evidence.

Blueprint Genetics
Classification: Uncertain significance. Last evaluated: 2022-10-24. Review status: criteria provided, single submitter. Criteria: ACMG Guidelines, 2015. Collection method: clinical testing. Allele origin: germline.